The following is an entry in ClinVar:

ClinVar aggregate classification (germline): Uncertain significance (1 of 4 stars; one submission).

Conditions:
Hereditary spastic paraplegia 28. Also called: Spastic paraplegia 28, autosomal recessive. Identifiers: Orphanet 101008, MedGen C1836295, MONDO:0012256, OMIM 609340.

Submission:

Labcorp Genetics (formerly Invitae), Labcorp
Classification: Uncertain significance for Hereditary spastic paraplegia 28. Last evaluated: 2019-03-13. Review status: criteria provided, single submitter. Criteria: Invitae Variant Classification Sherloc (09022015). Collection method: clinical testing. Allele origin: germline.
Comment: In summary, the available evidence is currently insufficient to determine the role of this variant in disease. Therefore, it has been classified as a Variant of Uncertain Significance. This variant has not been reported in the literature in individuals with DDHD1-related conditions. The frequency data for this variant in the population databases is considered unreliable, as metrics indicate insufficient coverage at this position in the ExAC database. This sequence change affects the initiator methionine of the DDHD1 mRNA. The next in-frame methionine is located at codon 248.

NM_001160148.2(DDHD1):c.3G>A (p.Met1Ile)

Gene: DDHD1 (DDHD domain containing 1; minus strand). Cytogenetic location: 14q22.1.
Variant type: single nucleotide variant.
Coding change: c.3G>A on transcript NM_001160148.2 (MANE Select); coding-DNA position 3, G replaced by A.
Protein change: p.Met1Ile; changes the start codon (methionine 1).
Molecular consequence: missense variant, initiator codon variant.
Genome position (GRCh38, 1-based): chr14:53,153,096, C>T on the plus strand (G>A on the coding strand, the complement: DDHD1 is on the minus strand). VCF-style: chr14-53153096-C-T. GRCh37 (hg19) VCF-style: chr14-53619814-C-T.
Other names: c.3G>A, p.Met1Ile (NM_001160147.2, NM_030637.3); short protein forms M1I.
Identifiers: ClinVar variation 852402 (VCV000852402.10), dbSNP rs1891588735, ClinGen allele CA389782241.